The following is an entry in ClinVar:

NM_003119.4(SPG7):c.1564G>A (p.Ala522Thr)

Gene: SPG7 (SPG7 matrix AAA peptidase subunit, paraplegin; plus strand). Cytogenetic location: 16q24.3.
Variant type: single nucleotide variant.
Coding change: c.1564G>A on transcript NM_003119.4 (MANE Select); coding-DNA position 1564, G replaced by A.
Protein change: p.Ala522Thr; replaces alanine 522 with threonine.
Molecular consequence: missense variant.
Genome position (GRCh38, 1-based): chr16:89,548,014, G>A. VCF-style: chr16-89548014-G-A. GRCh37 (hg19) VCF-style: chr16-89614422-G-A.
Other names: c.1564G>A, p.Ala522Thr (NM_001363850.1); c.1564G>A (NM_003119.3); short protein forms A522T.
Identifiers: ClinVar variation 321283 (VCV000321283.7), dbSNP rs540602203, ClinGen allele CA8244268.
Genomic context (GRCh38, chr16:89,548,014, plus strand): 5'-CTGATAGCAGAAACCCACCCACCCACACCGTGGCTGTTTGTGTTGACAGGGGCTGACATC[G>A]CCAACATCTGCAATGAGGCTGCGCTGCACGCGGCGCGGGAGGGACACACTTCCGTGCACA-3'
Protein context (NP_003110.1, residues 512-532): LTPGFSGADI[Ala522Thr]NICNEAALHA

ClinVar aggregate classification (germline): Uncertain significance. Review status: criteria provided, multiple submitters, no conflicts (2 of 4 stars). 3 submissions from 3 submitters: Uncertain significance (3). Last evaluated 2024-08-07.

Conditions:
Inborn genetic diseases. Identifiers: MedGen C0950123, MeSH D030342.
Hereditary spastic paraplegia 7 (SPG7). Also called: SPG7-related neurologic disorder; Autosomal recessive spastic paraplegia type 7; SPASTIC PARAPLEGIA 7, AUTOSOMAL RECESSIVE, WITH OR WITHOUT CEREBELLAR ATAXIA; Spastic paraplegia 7; Hereditary spastic paraplegia Paraplegin type. Identifiers: Orphanet 99013, MedGen C1846564, MONDO:0011803, OMIM 607259.
SPG7-related disorder. Also called: SPG7-related condition.

Allele frequency attached by ClinVar (database versions not stated): gnomAD exomes 0.00001; 1000 Genomes Project 0.00020; 1000 Genomes Project 30x 0.00031.
gnomAD v4.1: 16 of 1,612,628 alleles (0.00099%); highest among the groups gnomAD compares: South Asian, 0.0055%; no homozygotes.

Submissions (3):

Ambry Genetics
Classification: Uncertain significance for Inborn genetic diseases. Last evaluated: 2024-08-07. Review status: criteria provided, single submitter. Criteria: Ambry Variant Classification Scheme 2023. Collection method: clinical testing. Allele origin: germline.

PreventionGenetics, part of Exact Sciences
Classification: Uncertain significance for SPG7-related condition. Last evaluated: 2023-05-11. Review status: criteria provided, single submitter. Criteria: ACMG Guidelines, 2015. Collection method: clinical testing. Allele origin: germline.
Comment: The SPG7 c.1564G>A variant is predicted to result in the amino acid substitution p.Ala522Thr. To our knowledge, this variant has not been reported in the literature. This variant is reported in 0.0065% of alleles in individuals of South Asian descent in gnomAD. At this time, the clinical significance of this variant is uncertain due to the absence of conclusive functional and genetic evidence.

Illumina Laboratory Services, Illumina
Classification: Uncertain significance for Hereditary spastic paraplegia 7. Last evaluated: 2018-01-12. Review status: criteria provided, single submitter. Criteria: ICSL Variant Classification Criteria 13 December 2019. Collection method: clinical testing. Allele origin: germline.